The following is an entry in ClinVar:

ClinVar aggregate classification (germline): Pathogenic/Likely pathogenic. Review status: criteria provided, multiple submitters, no conflicts (2 of 4 stars). 5 submissions from 5 submitters: Pathogenic (3); Likely pathogenic (2). Last evaluated 2025-03-24.

Conditions:
Hereditary cancer-predisposing syndrome. Also called: Neoplastic Syndromes, Hereditary; Hereditary Cancer Syndrome; Tumor predisposition; Hereditary neoplastic syndrome. Identifiers: Orphanet 140162, MedGen C0027672, MeSH D009386, MONDO:0015356.
Familial cancer of breast. Also called: Hereditary breast cancer; BREAST CANCER, FAMILIAL; hereditary breast carcinoma. Identifiers: Orphanet 227535, MedGen C0346153, MONDO:0016419, OMIM 114480. Disease mechanism: loss of function.
Ataxia-telangiectasia syndrome (AT). Also called: LOUIS-BAR SYNDROME; Cerebello-oculocutaneous telangiectasia; Immunodeficiency with ataxia telangiectasia; Ataxia-telangiectasia, complementation group D; AT, COMPLEMENTATION GROUP C; Ataxia-telangiectasia, complementation group E. Identifiers: Orphanet 100, MedGen C0004135, MONDO:0008840, OMIM 208900.

Submissions (5):

Labcorp Genetics (formerly Invitae), Labcorp
Classification: Pathogenic for Ataxia-telangiectasia syndrome. Last evaluated: 2025-03-24. Review status: criteria provided, single submitter. Criteria: Invitae Variant Classification Sherloc (09022015). Collection method: clinical testing. Allele origin: germline.
Comment: This sequence change creates a premature translational stop signal (p.Val2620Leufs*11) in the ATM gene. It is expected to result in an absent or disrupted protein product. Loss-of-function variants in ATM are known to be pathogenic (PMID: 23807571, 25614872). This variant is not present in population databases (gnomAD no frequency). This variant has not been reported in the literature in individuals affected with ATM-related conditions. ClinVar contains an entry for this variant (Variation ID: 481107). For these reasons, this variant has been classified as Pathogenic.

Baylor Genetics
Classification: Likely pathogenic for Familial cancer of breast. Last evaluated: 2024-03-11. Review status: criteria provided, single submitter. Criteria: ACMG Guidelines, 2015. Collection method: clinical testing. Allele origin: unknown.

Myriad Genetics, Inc.
Classification: Pathogenic for Familial cancer of breast. Last evaluated: 2024-02-01. Review status: criteria provided, single submitter. Criteria: Myriad Autosomal Dominant, Autosomal Recessive and X-Linked Classification Criteria (2023). Collection method: clinical testing. Allele origin: unknown.
Comment: This variant is considered pathogenic. This variant creates a frameshift predicted to result in premature protein truncation.

Ambry Genetics
Classification: Pathogenic for Hereditary cancer-predisposing syndrome. Last evaluated: 2022-12-19. Review status: criteria provided, single submitter. Criteria: Ambry Variant Classification Scheme 2023. Collection method: clinical testing. Allele origin: germline.
Comment: The c.7858delG pathogenic mutation, located in coding exon 52 of the ATM gene, results from a deletion of one nucleotide at nucleotide position 7858, causing a translational frameshift with a predicted alternate stop codon (p.V2620Lfs*11). This alteration is expected to result in loss of function by premature protein truncation or nonsense-mediated mRNA decay. As such, this alteration is interpreted as a disease-causing mutation.

Women's Health and Genetics/Laboratory Corporation of America, LabCorp
Classification: Likely pathogenic for Ataxia-telangiectasia syndrome. Last evaluated: 2018-09-14. Review status: criteria provided, single submitter. Criteria: LabCorp Variant Classification Summary - May 2015. Collection method: clinical testing. Allele origin: germline.
Comment: Variant summary: ATM c.7858delG (p.Val2620LeufsX11) results in a premature termination codon, predicted to cause a truncation of the encoded protein or absence of the protein due to nonsense mediated decay, which are commonly known mechanisms for disease. Truncations downstream of this position have been classified as pathogenic by our laboratory (e.g. p.Ile2629fsX25, p.Trp2638X, p.Tyr2755fsX12). The variant was absent in 120836 control chromosomes (ExAC). To our knowledge, no occurrence of c.7858delG in individuals affected with Ataxia-Telangiectasia and no experimental evidence demonstrating its impact on protein function have been reported. One clinical diagnostic laboratory has submitted clinical-significance assessments for this variant to ClinVar after 2014 without evidence for independent evaluation, and classified the variant as pathogenic. Based on the evidence outlined above, the variant was classified as likely pathogenic.

Literature cited by the submitters: PubMed 23807571 (cited by Labcorp Genetics (formerly Invitae), Labcorp); PubMed 25614872 (cited by Labcorp Genetics (formerly Invitae), Labcorp).

NM_000051.4(ATM):c.7858del (p.Val2620fs)

Genes: ATM (ATM serine/threonine kinase; plus strand), C11orf65 (chromosome 11 open reading frame 65; minus strand). Cytogenetic location: 11q22.3.
Variant type: Deletion.
Coding change: c.7858del on transcript NM_000051.4 (MANE Select); coding-DNA position 7858, one base deleted (G; older notation c.7858delG).
Protein change: p.Val2620fs; shifts the reading frame from valine 2620.
Molecular consequence: frameshift variant. On other transcripts: intron variant (2).
Genome position (GRCh38, 1-based): chr11:108,332,831, G deleted. VCF-style (leftmost placement, unchanged base first): chr11-108332830-TG-T. GRCh37 (hg19) VCF-style: chr11-108203557-TG-T.
Other names: c.7858del, p.Val2620fs (NM_001351834.2); c.641-23760del (NM_001330368.2); c.*38+2389del (NM_001351110.2); short protein forms V2620fs.
Identifiers: ClinVar variation 481107 (VCV000481107.15), dbSNP rs1555125349, ClinGen allele CA658656302.